The following is an entry in ClinVar:

NM_002474.3(MYH11):c.2200A>T (p.Asn734Tyr)

Gene: MYH11 (myosin heavy chain 11; minus strand). Cytogenetic location: 16p13.11.
Variant type: single nucleotide variant.
Coding change: c.2200A>T on transcript NM_002474.3 (MANE Select); coding-DNA position 2200, A replaced by T.
Protein change: p.Asn734Tyr; replaces asparagine 734 with tyrosine.
Molecular consequence: missense variant.
Genome position (GRCh38, 1-based): chr16:15,747,924, T>A on the plus strand (A>T on the coding strand, the complement: MYH11 is on the minus strand). VCF-style: chr16-15747924-T-A. GRCh37 (hg19) VCF-style: chr16-15841781-T-A.
Other names: c.2221A>T, p.Asn741Tyr (NM_001040113.2, NM_001040114.2); c.2200A>T, p.Asn734Tyr (NM_022844.3); short protein forms N734Y, N741Y.
Identifiers: ClinVar variation 5025093 (VCV005025093.1).

ClinVar aggregate classification (germline): Uncertain significance (1 of 4 stars; one submission).

Conditions:
Familial thoracic aortic aneurysm and aortic dissection (TAAD). Also called: Thoracic aortic aneurysms and dissections. Identifiers: Orphanet 91387, MedGen C4707243, MONDO:0019625.

Submission:

Ambry Genetics
Classification: Uncertain significance for Familial thoracic aortic aneurysm and aortic dissection. Last evaluated: 2026-08-03. Review status: criteria provided, single submitter. Criteria: Ambry Variant Classification Scheme 2023. Collection method: clinical testing. Allele origin: germline.
Comment: The p.N734Y variant (also known as c.2200A>T), located in coding exon 17 of the MYH11 gene, results from an A to T substitution at nucleotide position 2200. The asparagine at codon 734 is replaced by tyrosine, an amino acid with dissimilar properties. This amino acid position is conserved. In addition, the in silico prediction for this alteration is inconclusive. Based on the available evidence, the clinical significance of this variant remains unclear.